The following is an entry in ClinVar:

NM_001911.3(CTSG):c.374A>G (p.Asn125Ser)

Gene: CTSG (cathepsin G; minus strand). Cytogenetic location: 14q12.
Variant type: single nucleotide variant.
Coding change: c.374A>G on transcript NM_001911.3 (MANE Select); coding-DNA position 374, A replaced by G.
Protein change: p.Asn125Ser; replaces asparagine 125 with serine.
Molecular consequence: missense variant.
Genome position (GRCh38, 1-based): chr14:24,574,465, T>C on the plus strand (A>G on the coding strand, the complement: CTSG is on the minus strand). VCF-style: chr14-24574465-T-C. GRCh37 (hg19) VCF-style: chr14-25043671-T-C.
Other names: short protein forms N125S.
Identifiers: ClinVar variation 402574 (VCV000402574.6), dbSNP rs45567233, ClinGen allele CA7139271.

ClinVar aggregate classification (germline): Benign. Review status: criteria provided, multiple submitters, no conflicts (2 of 4 stars). 2 submissions from 2 submitters: Benign (2). Last evaluated 2016-03-28.

Allele frequency attached by ClinVar (database versions not stated): gnomAD 0.06126 and 0.05808; ExAC 0.08102; 1000 Genomes Project 0.09085; ESP Exome Variant Server 0.05067; gnomAD exomes 0.07130 and 0.08008; TOPMed 0.06004; 1000 Genomes Project 30x 0.08838.

Submissions (6):

Laboratory for Molecular Medicine, Mass General Brigham Personalized Medicine
Classification: Benign. Last evaluated: 2016-03-28. Review status: criteria provided, single submitter. Criteria: LMM Criteria. Collection method: clinical testing. Allele origin: germline.
Comment: Variant identified in a genome or exome case(s) and assessed due to predicted null impact of the variant or pathogenic assertions in the literature or databases. Disclaimer: This variant has not undergone full assessment. The following are preliminary notes: Frequency

Breakthrough Genomics
Classification: Benign. Review status: criteria provided, single submitter. Criteria: ACMG Guidelines, 2015. Collection method: not provided. Allele origin: germline. Inheritance: Unknown mechanism. Affected: yes.

Dr. Peter K. Rogan Lab, Western University
No classification provided (evidence only). Condition: Colorectal cancer. Review status: no classification provided. Collection method: in vitro. Allele origin: not applicable. Functional consequence: retained intron. Not counted in ClinVar's aggregate classification.

Dr. Peter K. Rogan Lab, Western University
No classification provided (evidence only). Condition: Uterine corpus endometrial carcinoma. Review status: no classification provided. Collection method: in vitro. Allele origin: not applicable. Functional consequence: retained intron. Not counted in ClinVar's aggregate classification.

Dr. Peter K. Rogan Lab, Western University
No classification provided (evidence only). Condition: Thymoma. Review status: no classification provided. Collection method: in vitro. Allele origin: not applicable. Functional consequence: retained intron. Not counted in ClinVar's aggregate classification.

Dr. Peter K. Rogan Lab, Western University
No classification provided (evidence only). Condition: Thymoma. Review status: no classification provided. Collection method: in vitro. Allele origin: not applicable. Functional consequence: retained intron. Not counted in ClinVar's aggregate classification.